The following is an entry in ClinVar:

ClinVar aggregate classification (germline): Uncertain significance. Review status: criteria provided, multiple submitters, no conflicts (2 of 4 stars). 2 submissions from 2 submitters: Uncertain significance (2). Last evaluated 2023-07-16.

Conditions:
Hereditary cancer-predisposing syndrome. Also called: Hereditary Cancer Syndrome; Hereditary neoplastic syndrome; Neoplastic Syndromes, Hereditary; Tumor predisposition. Identifiers: Orphanet 140162, MedGen C0027672, MeSH D009386, MONDO:0015356.

Submissions (2):

Ambry Genetics
Classification: Uncertain significance for Hereditary cancer-predisposing syndrome. Last evaluated: 2023-07-16. Review status: criteria provided, single submitter. Criteria: Ambry Variant Classification Scheme 2023. Collection method: clinical testing. Allele origin: germline.
Comment: The p.W614C variant (also known as c.1842G>C), located in coding exon 10 of the ALK gene, results from a G to C substitution at nucleotide position 1842. The tryptophan at codon 614 is replaced by cysteine, an amino acid with highly dissimilar properties. This amino acid position is conserved. In addition, the in silico prediction for this alteration is inconclusive. Since supporting evidence is limited at this time, the clinical significance of this alteration remains unclear.

GeneDx
Classification: Uncertain significance. Last evaluated: 2022-07-29. Review status: criteria provided, single submitter. Criteria: GeneDx Variant Classification Process June 2021. Collection method: clinical testing. Allele origin: germline. Affected: yes.
Comment: Not observed at significant frequency in large population cohorts (gnomAD); In silico analysis supports that this missense variant does not alter protein structure/function; Has not been previously published as pathogenic or benign to our knowledge

NM_004304.5(ALK):c.1842G>C (p.Trp614Cys)

Gene: ALK (ALK receptor tyrosine kinase; minus strand). Cytogenetic location: 2p23.2.
Variant type: single nucleotide variant.
Coding change: c.1842G>C on transcript NM_004304.5 (MANE Select); coding-DNA position 1842, G replaced by C.
Protein change: p.Trp614Cys; replaces tryptophan 614 with cysteine.
Molecular consequence: missense variant.
Genome position (GRCh38, 1-based): chr2:29,275,472, C>G on the plus strand (G>C on the coding strand, the complement: ALK is on the minus strand). VCF-style: chr2-29275472-C-G. GRCh37 (hg19) VCF-style: chr2-29498338-C-G.
Other names: short protein forms W614C.
Identifiers: ClinVar variation 2412871 (VCV002412871.5), dbSNP rs2465332228, ClinGen allele CA346480004.